The following is an entry in ClinVar:

ClinVar aggregate classification (germline): Uncertain significance (1 of 4 stars; one submission).

Conditions:
Cardiovascular phenotype. Identifiers: MedGen CN230736.

Allele frequency attached by ClinVar (database versions not stated): gnomAD exomes below 0.00001.
gnomAD v4.1: 1 of 1,614,078 alleles (0.000062%); highest among the groups gnomAD compares: Non-Finnish European, 0.000085%; no homozygotes.

Submission:

Ambry Genetics
Classification: Uncertain significance for Cardiovascular phenotype. Last evaluated: 2021-10-13. Review status: criteria provided, single submitter. Criteria: Ambry Variant Classification Scheme 2023. Collection method: clinical testing. Allele origin: germline.
Comment: The p.D105Y variant (also known as c.313G>T), located in coding exon 3 of the GPD1L gene, results from a G to T substitution at nucleotide position 313. The aspartic acid at codon 105 is replaced by tyrosine, an amino acid with highly dissimilar properties. This amino acid position is conserved. In addition, the in silico prediction for this alteration is inconclusive. Since supporting evidence is limited at this time, the clinical significance of this alteration remains unclear.

NM_015141.4(GPD1L):c.313G>T (p.Asp105Tyr)

Gene: GPD1L (glycerol-3-phosphate dehydrogenase 1 like; plus strand). Cytogenetic location: 3p22.3.
Variant type: single nucleotide variant.
Coding change: c.313G>T on transcript NM_015141.4 (MANE Select); coding-DNA position 313, G replaced by T.
Protein change: p.Asp105Tyr; replaces aspartic acid 105 with tyrosine.
Molecular consequence: missense variant.
Genome position (GRCh38, 1-based): chr3:32,138,674, G>T. VCF-style: chr3-32138674-G-T. GRCh37 (hg19) VCF-style: chr3-32180166-G-T.
Other names: short protein forms D105Y.
Identifiers: ClinVar variation 1728076 (VCV001728076.2), dbSNP rs2471396598, ClinGen allele CA351974304.
Genomic context (GRCh38, chr3:32,138,674, plus strand): 5'-GTGCAGGATGCAGACCTGCTGGTGTTTGTCATTCCCCACCAGTTCATTCACAGAATCTGT[G>T]ATGAGATCACTGGGAGAGTGCCCAAGAAAGCGCTGGGAATCACCCTCATCAAGGTAACTC-3'
Protein context (NP_055956.1, residues 95-115): IPHQFIHRIC[Asp105Tyr]EITGRVPKKA